The following is an entry in ClinVar:

NM_005343.4(HRAS):c.35G>A (p.Gly12Asp)

Genes: HRAS (HRas proto-oncogene, GTPase; minus strand), LRRC56 (leucine rich repeat containing 56; plus strand). Cytogenetic location: 11p15.5.
Variant type: single nucleotide variant.
Coding change: c.35G>A on transcript NM_005343.4 (MANE Select); coding-DNA position 35, G replaced by A.
Protein change: p.Gly12Asp; replaces glycine 12 with aspartic acid.
Molecular consequence: missense variant. On other transcripts: 5 prime UTR variant (1).
Genome position (GRCh38, 1-based): chr11:534,288, C>T on the plus strand (G>A on the coding strand, the complement: HRAS is on the minus strand). VCF-style: chr11-534288-C-T. GRCh37 (hg19) VCF-style: chr11-534288-C-T.
Other names: p.G12D:GGC>GAC; c.35G>A (NM_005343.3, NM_001130442.1); c.35G>A, p.Gly12Asp (NM_001130442.3, NM_176795.5); c.-285G>A (NM_001318054.2); short protein forms G12D.
Identifiers: ClinVar variation 12612 (VCV000012612.62), dbSNP rs104894230, ClinGen allele CA122555.

ClinVar aggregate classification (germline): Pathogenic/Likely pathogenic. Review status: criteria provided, multiple submitters, no conflicts (2 of 4 stars). 18 submissions from 17 submitters: Pathogenic (12); Likely pathogenic (1). 5 of the submissions do not count toward it. Last evaluated 2025-06-12.

Conditions:
HRAS-related disorder. Also called: HRAS-related condition.
Lip and oral cavity carcinoma. Identifiers: MedGen C0220641, MONDO:0023644.
Noonan syndrome and Noonan-related syndrome. Identifiers: Orphanet 98733, MedGen C5681679, MONDO:0020297.
RASopathy. Also called: Noonan spectrum disorder; rasopathies. Identifiers: Orphanet 536391, MedGen C5555857, MONDO:0021060.
Non-immune hydrops fetalis (NIHF). Also called: Fetal edema; Idiopathic hydrops fetalis; Familial non-immune hydrops fetalis. Identifiers: Orphanet 363999, MedGen C0455988, MONDO:0009369, OMIM 236750, HP:0001790.
Nevus sebaceous. Also called: NEVUS SEBACEOUS, SOMATIC. Identifiers: MedGen C3854181, HP:0010815.
Costello syndrome (CSTLO). Also called: FCS SYNDROME; FACIOCUTANEOSKELETAL SYNDROME; HRAS-Related Costello Syndrome. Identifiers: Orphanet 3071, MedGen C0587248, MONDO:0009026, OMIM 218040.
COSTELLO SYNDROME, SEVERE. Identifiers: MedGen C4016398.

Submissions 1 to 10 of 18:

Department of Human Genetics, Hannover Medical School
Classification: Pathogenic for Costello syndrome. Last evaluated: 2025-06-12. Review status: criteria provided, single submitter. Criteria: ACMG Guidelines, 2015. Collection method: clinical testing. Allele origin: germline. Affected: yes.
Comment: PS2_VeryStrong, PS3_Moderate, PS4, PM1, PM2_Supporting, PM5, PP3

Variantyx, Inc.
Classification: Pathogenic for Costello syndrome. Last evaluated: 2025-06-10. Review status: criteria provided, single submitter. Criteria: Variantyx Assertion Criteria 2022. Collection method: clinical testing. Allele origin: de novo. Inheritance: Autosomal dominant inheritance. Affected: yes.
Comment: This is a nonsynonymous variant in the HRAS gene (OMIM: 190020). Pathogenic variants in this gene have been associated with autosomal dominant Costello syndrome. This variant likely occurred de novo in individuals reported in the published literature and in previous internal cases; however, the possibility of parental germline mosaicism cannot be excluded (PMID: 34940998, 35050212) (PS2_Very_Strong). This variant has been reported in the literature in at least one affected individual (PMID: 35050212) (PS4_Moderate). Functional studies have shown that this variant alters HRAS protein function (PMID: 21850009) (PS3). and multiple computational algorithms predict a deleterious effect for this variant (REVEL score: 0.781) (PP3). This variant lies within a known hotspot for pathogenic variants in the HRAS protein (PM1) and alternate amino acid changes at this position (p.Gly12Ser and p.Gly12Cys) have been previously reported in similarly affected individuals, which suggests that this residue is biologically important (PMID: 20660566, 22926243). This variant is absent from control populations (PM2). Based on the current evidence, this variant is classified as pathogenic for autosomal dominant Costello syndrome.

Victorian Clinical Genetics Services, Murdoch Childrens Research Institute
Classification: Pathogenic for Costello syndrome. Last evaluated: 2023-07-17. Review status: criteria provided, single submitter. Criteria: ACMG Guidelines, 2015. Collection method: clinical testing. Allele origin: germline. Inheritance: Autosomal dominant inheritance. Affected: yes.
Comment: Based on the classification scheme VCGS_Germline_v1.3.4, this variant is classified as Pathogenic. Following criteria are met: 0101 - Gain of function is a known mechanism of disease in this gene and is associated with Costello syndrome (MIM#218040) (PMID: 31222966). (I) 0107 - This gene is associated with autosomal dominant disease. (I) 0115 - Variants in this gene are known to have variable expressivity (GeneReviews). (I) 0200 - Variant is predicted to result in a missense amino acid change from glycine to aspartic acid. (I) 0251 - This variant is heterozygous. (I) 0301 - Variant is absent from gnomAD (both v2 and v3). (SP) 0502 - Missense variant with conflicting in silico predictions and uninformative conservation. (I) 0602 - Variant is located in a hotspot region or cluster of pathogenic variants (DECIPHER). (SP) 0801 - This variant has strong previous evidence of pathogenicity in unrelated individuals. It has been observed in at least ten Costello syndrome patients, in some of whom de novo inheritance was reported (PMID: 22926243, 26916728, 27102959; ClinVar). (SP) 1208 - Inheritance information for this variant is not currently available in this individual. (I) Legend: (SP) - Supporting pathogenic, (I) - Information, (SB) - Supporting benign

GeneDx
Classification: Pathogenic. Last evaluated: 2022-09-09. Review status: criteria provided, single submitter. Criteria: GeneDx Variant Classification Process June 2021. Collection method: clinical testing. Allele origin: germline. Affected: yes.
Comment: Functional studies show p.(G12D) results in increased levels of the active, GTP-bound HRAS protein (PMID: 21850009); Not observed at significant frequency in large population cohorts (gnomAD); Missense variants in this gene are often considered pathogenic (HGMD); In silico analysis supports that this missense variant has a deleterious effect on protein structure/function; This variant is associated with the following publications: (PMID: 18642361, 35050212, 24224811, 23093928, 18039947, 22926243, 24803665, 26916728, 21344638, 17979197, 20658932, 32304219, 33502061, 33932139, 33726816, 35584285, 34958143, 21850009, 29493581)

Department of Maternal-Fetal Biology, National Research Institute for Child Health and Development
Classification: Pathogenic for Costello syndrome. Last evaluated: 2022-01-01. Review status: criteria provided, single submitter. Criteria: ACMG Guidelines, 2015. Collection method: research. Allele origin: de novo. Affected: yes. Observed: 1 variant allele.

3billion
Classification: Pathogenic for Costello syndrome. Last evaluated: 2021-10-02. Review status: criteria provided, single submitter. Criteria: ACMG Guidelines, 2015. Collection method: clinical testing. Allele origin: germline. Affected: yes. Observed: 1 heterozygote.
Comment: Same nucleotide change resulting in same amino acid change has been previously reported as pathogenic (SCV000207860, PS1). The missense variant is located in a mutational hot spot and/or well-established functional domain in which established pathogenic variants have been reported (PM1). It is not observed in the gnomAD v2.1.1 dataset (PM2). A different missense change (p.Gly12Val, p.Gly12Ala, p.Gly12Glu, p.Gly12Cys) at the same codon has been reported as pathogenic (ClinVar ID: VCV000012600.3, VCV000040430.1, VCV000163690.1, VCV000012613.12, PM5). The variant was observed as assumed (i.e. paternity and maternity not confirmed) de novoo (3billion dataset, PM6). In silico tool predictions suggest damaging effect of the variant on gene or gene product (REVEL: 0.781, 3Cnet: 0.996, PP3). Therefore, this variant is classified as pathogenic according to the recommendation of ACMG/AMP guideline.

Genomic Medicine Lab, University of California San Francisco
Classification: Pathogenic for Non-immune hydrops fetalis. Last evaluated: 2020-04-30. Review status: criteria provided, single submitter. Criteria: ACMG Guidelines, 2015. Collection method: clinical testing. Allele origin: de novo. Inheritance: Autosomal dominant inheritance. Affected: yes. Study: CSER-P3EGS.

Labcorp Genetics (formerly Invitae), Labcorp
Classification: Pathogenic for Costello syndrome. Last evaluated: 2019-06-09. Review status: criteria provided, single submitter. Criteria: Invitae Variant Classification Sherloc (09022015). Collection method: clinical testing. Allele origin: germline.
Comment: This sequence change replaces glycine with aspartic acid at codon 12 of the HRAS protein (p.Gly12Asp). The glycine residue is highly conserved and there is a moderate physicochemical difference between glycine and aspartic acid. This variant is not present in population databases (ExAC no frequency). This variant has been observed in many individuals affected with Costello syndrome (PMID: 26916728, 18642361, 21850009, 27102959, 18039947, 22926243). In several individuals the variant was found to be de novo. ClinVar contains an entry for this variant (Variation ID: 12612). This variant has been reported to affect HRAS protein function (PMID: 24224811, 21850009). This variant disrupts the p.Gly12 amino acid residue in HRAS. Other variant(s) that disrupt this residue have been determined to be pathogenic (PMID: 16170316, 20979192, 21834037, 21850009, 22317973, 23751039). This suggests that this residue is clinically significant, and that variants that disrupt this residue are likely to be disease-causing. For these reasons, this variant has been classified as Pathogenic.

CeGaT Center for Human Genetics Tuebingen
Classification: Pathogenic. Last evaluated: 2019-05-01. Review status: criteria provided, single submitter. Criteria: CeGaT Center For Human Genetics Tuebingen Variant Classification Criteria Version 2. Collection method: clinical testing. Allele origin: germline. Affected: yes. Observed: 3 variant alleles.

Women's Health and Genetics/Laboratory Corporation of America, LabCorp
Classification: Pathogenic for Rasopathy. Last evaluated: 2017-10-30. Review status: criteria provided, single submitter. Criteria: LabCorp Variant Classification Summary - May 2015. Collection method: clinical testing. Allele origin: germline.
Comment: Variant summary: The HRAS c.35G>A (p.Gly12Asp) variant involves the alteration of a conserved nucleotide. 3/4 in silico tools predict a damaging outcome for this variant (SNPsandGO not captured due to low reliability index). This variant is absent in 276492 control chromosomes. It has been reported in many CS cases and most of them with severe clinical presentations. Functional assays showed the variant to have increased activity (Niihori_2011). Variants involving codon 12 (such as p.G12S, p.G12A, p.G12C, p.G12D) have been reported in numerous affected individuals indicating it is mutation hotspot. In addition, multiple clinical diagnostic laboratories/reputable databases classified this variant as pathogenic. Taken together, this variant is classified as pathogenic.